The following is an entry in ClinVar:

ClinVar aggregate classification (germline): Uncertain significance. Review status: criteria provided, multiple submitters, no conflicts (2 of 4 stars). 3 submissions from 3 submitters: Uncertain significance (3). Last evaluated 2022-09-22.

Conditions:
Hereditary cancer-predisposing syndrome. Also called: Hereditary Cancer Syndrome; Neoplastic Syndromes, Hereditary; Tumor predisposition; Hereditary neoplastic syndrome. Identifiers: Orphanet 140162, MedGen C0027672, MeSH D009386, MONDO:0015356.
Fanconi anemia complementation group J. Also called: BRIP1-Related Fanconi Anemia. Identifiers: Orphanet 84, MedGen C1836860, MONDO:0012187, OMIM 609054.
Familial cancer of breast. Also called: Hereditary breast cancer; hereditary breast carcinoma; BREAST CANCER, FAMILIAL. Identifiers: Orphanet 227535, MedGen C0346153, MONDO:0016419, OMIM 114480. Disease mechanism: loss of function.

Submissions (3):

Ambry Genetics
Classification: Uncertain significance for Hereditary cancer-predisposing syndrome. Last evaluated: 2022-09-22. Review status: criteria provided, single submitter. Criteria: Ambry Variant Classification Scheme 2023. Collection method: clinical testing. Allele origin: germline.
Comment: The c.2492+5G>C intronic variant results from a G to C substitution 5 nucleotides after coding exon 16 in the BRIP1 gene. This nucleotide position is highly conserved in available vertebrate species. In silico splice site analysis predicts that this alteration will weaken the native splice donor site and may result in the creation or strengthening of a novel splice donor site. Since supporting evidence is limited at this time, the clinical significance of this alteration remains unclear.

Labcorp Genetics (formerly Invitae), Labcorp
Classification: Uncertain significance for Familial cancer of breast; Fanconi anemia complementation group J. Last evaluated: 2018-12-06. Review status: criteria provided, single submitter. Criteria: Invitae Variant Classification Sherloc (09022015). Collection method: clinical testing. Allele origin: germline.
Comment: This sequence change falls in intron 17 of the BRIP1 gene. It does not directly change the encoded amino acid sequence of the BRIP1 protein, but it affects a nucleotide within the consensus splice site of the intron. In summary, the available evidence is currently insufficient to determine the role of this variant in disease. Therefore, it has been classified as a Variant of Uncertain Significance. Nucleotide substitutions within the consensus splice site are a relatively common cause of aberrant splicing (PMID: 17576681, 9536098). Algorithms developed to predict the effect of sequence changes on RNA splicing suggest that this variant may disrupt the consensus splice site, but this prediction has not been confirmed by published transcriptional studies. This variant has not been reported in the literature in individuals with BRIP1-related conditions. ClinVar contains an entry for this variant (Variation ID: 231934). This variant is not present in population databases (ExAC no frequency).

GeneDx
Classification: Uncertain significance. Last evaluated: 2016-10-17. Review status: criteria provided, single submitter. Criteria: GeneDx Variant Classification (06012015). Collection method: clinical testing. Allele origin: germline. Affected: yes.
Comment: This variant is denoted BRIP1 c.2492+5G>C or IVS17+5G>C and consists of a G>C nucleotide substitution at the +5 position of intron 17 of the BRIP1 gene. Multiple in silico models predict that this variant may damage the natural splice donor site of intron 17 and lead to abnormal splicing. However, in the absence of RNA or functional studies, the actual effect of this variant is unknown. This variant has not, to our knowledge, been published in the literature as pathogenic or benign. BRIP1 c.2492+5G>C was not observed in approximately 6,500 individuals of European and African American ancestry in the NHLBI Exome Sequencing Project, suggesting it is not a common benign variant in these populations. The guanine (G) nucleotide that is altered is conserved across species. Based on currently available evidence, it is unclear whether BRIP1 c.2492+5G>C is a pathogenic or benign variant. We consider it to be a variant of uncertain significance.

Literature cited by the submitters: PubMed 17576681 (cited by Labcorp Genetics (formerly Invitae), Labcorp); PubMed 9536098 (cited by Labcorp Genetics (formerly Invitae), Labcorp).

NM_032043.3(BRIP1):c.2492+5G>C

Gene: BRIP1 (BRCA1 interacting DNA helicase 1; minus strand). Cytogenetic location: 17q23.2.
Variant type: single nucleotide variant.
Coding change: c.2492+5G>C on transcript NM_032043.3 (MANE Select); 5 bases into the intron after coding-DNA position 2492, G replaced by C.
Molecular consequence: intron variant.
Genome position (GRCh38, 1-based): chr17:61,715,946, C>G on the plus strand (G>C on the coding strand, the complement: BRIP1 is on the minus strand). VCF-style: chr17-61715946-C-G. GRCh37 (hg19) VCF-style: chr17-59793307-C-G.
Identifiers: ClinVar variation 231934 (VCV000231934.14), dbSNP rs763222019, ClinGen allele CA10580801.